The following is an entry in ClinVar:

ClinVar aggregate classification (germline): Uncertain significance (1 of 4 stars; one submission).

Submission:

Labcorp Genetics (formerly Invitae), Labcorp
Classification: Uncertain significance. Last evaluated: 2021-06-20. Review status: criteria provided, single submitter. Criteria: Invitae Variant Classification Sherloc (09022015). Collection method: clinical testing. Allele origin: germline.
Comment: This sequence change replaces glutamine with histidine at codon 39 of the PPP2R5D protein (p.Gln39His). The glutamine residue is weakly conserved and there is a small physicochemical difference between glutamine and histidine. This variant is not present in population databases (ExAC no frequency). This variant has not been reported in the literature in individuals with PPP2R5D-related conditions. Algorithms developed to predict the effect of missense changes on protein structure and function (SIFT, PolyPhen-2, Align-GVGD) all suggest that this variant is likely to be tolerated, but these predictions have not been confirmed by published functional studies and their clinical significance is uncertain. In summary, the available evidence is currently insufficient to determine the role of this variant in disease. Therefore, it has been classified as a Variant of Uncertain Significance.

NM_006245.4(PPP2R5D):c.117G>T (p.Gln39His)

Gene: PPP2R5D (protein phosphatase 2 regulatory subunit B'delta; plus strand). Cytogenetic location: 6p21.1.
Variant type: single nucleotide variant.
Coding change: c.117G>T on transcript NM_006245.4 (MANE Select); coding-DNA position 117, G replaced by T.
Protein change: p.Gln39His; replaces glutamine 39 with histidine.
Molecular consequence: missense variant. On other transcripts: 5 prime UTR variant (1), intron variant (1).
Genome position (GRCh38, 1-based): chr6:43,006,474, G>T. VCF-style: chr6-43006474-G-T. GRCh37 (hg19) VCF-style: chr6-42974212-G-T.
Other names: c.-337G>T (NM_001270476.2); c.117G>T, p.Gln39His (NM_180976.3); c.28-460G>T (NM_180977.3); short protein forms Q39H.
Identifiers: ClinVar variation 1376968 (VCV001376968.8), dbSNP rs761463281, ClinGen allele CA364178428.